The following is an entry in ClinVar:

ClinVar aggregate classification (germline): Likely pathogenic. Review status: criteria provided, multiple submitters, no conflicts (2 of 4 stars). 2 submissions from 2 submitters: Likely pathogenic (2). Last evaluated 2023-06-16.

Conditions:
Nephronophthisis. Also called: Juvenile Nephronophthisis. Identifiers: Orphanet 655, MedGen C0687120, MONDO:0019005, HP:0000090.
Joubert syndrome with renal defect. Also called: JOUBERT SYNDROME 4. Identifiers: Orphanet 220497, MedGen C1846790, MONDO:0012308, OMIM 609583.

Submissions (2):

Labcorp Genetics (formerly Invitae), Labcorp
Classification: Likely pathogenic for Nephronophthisis. Last evaluated: 2023-06-16. Review status: criteria provided, single submitter. Criteria: Invitae Variant Classification Sherloc (09022015). Collection method: clinical testing. Allele origin: germline.
Comment: This variant results in the deletion of part of exon 2 (c.141_143+40del) of the NPHP1 gene. It is expected to disrupt RNA splicing. Variants that disrupt the donor or acceptor splice site typically lead to a loss of protein function (PMID: 16199547), and loss-of-function variants in NPHP1 are known to be pathogenic (PMID: 23559409). This variant is not present in population databases (gnomAD no frequency). This variant has not been reported in the literature in individuals affected with NPHP1-related conditions. Algorithms developed to predict the effect of sequence changes on RNA splicing suggest that this variant may disrupt the consensus splice site. In summary, the currently available evidence indicates that the variant is pathogenic, but additional data are needed to prove that conclusively. Therefore, this variant has been classified as Likely Pathogenic.

Baylor Genetics
Classification: Likely pathogenic for Joubert syndrome with renal defect. Last evaluated: 2022-07-06. Review status: criteria provided, single submitter. Criteria: ACMG Guidelines, 2015. Collection method: clinical testing. Allele origin: unknown.

Literature cited by the submitters: PubMed 16199547 (cited by Labcorp Genetics (formerly Invitae), Labcorp); PubMed 23559409 (cited by Labcorp Genetics (formerly Invitae), Labcorp).

NM_001128178.3(NPHP1):c.141_143+40del

Gene: NPHP1 (nephrocystin 1; minus strand). Cytogenetic location: 2q13.
Variant type: Deletion.
Coding change: c.141_143+40del on transcript NM_001128178.3 (MANE Select); coding-DNA position 141 through 40 bases into the intron after coding-DNA position 143, 43 bases deleted.
Molecular consequence: splice donor variant.
Genome position (GRCh38, 1-based): chr2:110,201,381-110,201,423, 43 bases deleted; deleting any 43 consecutive bases within chr2:110,201,381-110,201,425 gives the same sequence; the c. name uses the placement nearest the transcript's 3' end. GRCh37 (hg19): chr2:110,958,960-110,959,002.
Other names: c.141_143+40del (NM_001128179.3, NM_001374256.1, NM_001374257.1 and 2 more transcripts).
Identifiers: ClinVar variation 2677280 (VCV002677280.4), dbSNP rs2467599107, ClinGen allele CA1034935090.